The following is an entry in ClinVar:

ClinVar aggregate classification (germline): Pathogenic. Review status: criteria provided, multiple submitters, no conflicts (2 of 4 stars). 2 submissions from 2 submitters: Pathogenic (2). Last evaluated 2024-06-17.

Conditions:
C2ORF71 & PCARE-related disorders.

Submissions (2):

Blueprint Genetics
Classification: Pathogenic for C2ORF71 & PCARE-related disorders. Last evaluated: 2024-06-17. Review status: criteria provided, single submitter. Criteria: ACMG Guidelines, 2015. Collection method: clinical testing. Allele origin: germline. Affected: yes. Observed: 2 variant alleles.

Labcorp Genetics (formerly Invitae), Labcorp
Classification: Pathogenic. Last evaluated: 2024-01-22. Review status: criteria provided, single submitter. Criteria: Invitae Variant Classification Sherloc (09022015). Collection method: clinical testing. Allele origin: germline.
Comment: This sequence change creates a premature translational stop signal (p.Thr509Asnfs*12) in the PCARE gene. It is expected to result in an absent or disrupted protein product. Loss-of-function variants in PCARE are known to be pathogenic (PMID: 20398886, 24339724, 26496393). This variant is not present in population databases (gnomAD no frequency). This variant has not been reported in the literature in individuals affected with PCARE-related conditions. ClinVar contains an entry for this variant (Variation ID: 1917051). For these reasons, this variant has been classified as Pathogenic.

Literature cited by the submitters: PubMed 20398886 (cited by Labcorp Genetics (formerly Invitae), Labcorp); PubMed 24339724 (cited by Labcorp Genetics (formerly Invitae), Labcorp); PubMed 26496393 (cited by Labcorp Genetics (formerly Invitae), Labcorp).

NM_001029883.3(PCARE):c.1525dup (p.Thr509fs)

Gene: PCARE (photoreceptor cilium actin regulator; minus strand). Cytogenetic location: 2p23.2.
Variant type: Duplication.
Coding change: c.1525dup on transcript NM_001029883.3 (MANE Select); coding-DNA position 1525, one base duplicated (A; older notation c.1525dupA).
Protein change: p.Thr509fs; shifts the reading frame from threonine 509.
Molecular consequence: frameshift variant.
Genome position (GRCh38, 1-based): chr2:29,072,737, T duplicated on the plus strand (A on the coding strand, the reverse complement: PCARE is on the minus strand); the first of 6 consecutive T bases (chr2:29,072,737-29,072,742); duplicating any one gives the same sequence. VCF-style (leftmost placement, unchanged base first): chr2-29072736-G-GT. GRCh37 (hg19) VCF-style: chr2-29295602-G-GT.
Other names: short protein forms T509fs.
Identifiers: ClinVar variation 1917051 (VCV001917051.6), dbSNP rs753619551, ClinGen allele CA1241018831.
Genomic context (GRCh38, chr2:29,072,736, plus strand): 5'-GTGCGGGCCTGAAATGGGCTTTCCCGGTCAGCAGGTGAAGATTGTGGCCTTGAATGTGGA[G>GT]TTTTTTCCTGCCAGGCACACAGACTCATGCTGCTCATTTTGTCTTCCTCCTCCTCCTCTG-3'